The following is an entry in ClinVar:

NM_053025.4(MYLK):c.2164T>G (p.Trp722Gly)

Gene: MYLK (myosin light chain kinase; minus strand). Cytogenetic location: 3q21.1.
Variant type: single nucleotide variant.
Coding change: c.2164T>G on transcript NM_053025.4 (MANE Select); coding-DNA position 2164, T replaced by G.
Protein change: p.Trp722Gly; replaces tryptophan 722 with glycine.
Molecular consequence: missense variant.
Genome position (GRCh38, 1-based): chr3:123,707,980, A>C on the plus strand (T>G on the coding strand, the complement: MYLK is on the minus strand). VCF-style: chr3-123707980-A-C. GRCh37 (hg19) VCF-style: chr3-123426827-A-C.
Other names: c.1636T>G, p.Trp546Gly (NM_001321309.2); c.1957T>G, p.Trp653Gly (NM_053026.4, NM_053028.4); c.2164T>G, p.Trp722Gly (NM_053027.4); short protein forms W653G, W546G, W722G.
Identifiers: ClinVar variation 1977010 (VCV001977010.5), dbSNP rs1162378261, ClinGen allele CA354234132.

ClinVar aggregate classification (germline): Uncertain significance (1 of 4 stars; one submission).

Conditions:
Aortic aneurysm, familial thoracic 7 (AAT7). Also called: AORTIC DISSECTION, FAMILIAL, WITH OR WITHOUT AORTIC ANEURYSM. Identifiers: MedGen C3151077, MONDO:0013418, OMIM 613780.

gnomAD v4.1: 1 of 1,614,192 alleles (0.000062%); highest among the groups gnomAD compares: Non-Finnish European, 0.000085%; no homozygotes.

Submission:

Labcorp Genetics (formerly Invitae), Labcorp
Classification: Uncertain significance for Aortic aneurysm, familial thoracic 7. Last evaluated: 2022-06-06. Review status: criteria provided, single submitter. Criteria: Invitae Variant Classification Sherloc (09022015). Collection method: clinical testing. Allele origin: germline.
Comment: This sequence change replaces tryptophan, which is neutral and slightly polar, with glycine, which is neutral and non-polar, at codon 722 of the MYLK protein (p.Trp722Gly). This variant is not present in population databases (gnomAD no frequency). This variant has not been reported in the literature in individuals affected with MYLK-related conditions. Advanced modeling of protein sequence and biophysical properties (such as structural, functional, and spatial information, amino acid conservation, physicochemical variation, residue mobility, and thermodynamic stability) performed at Invitae indicates that this missense variant is not expected to disrupt MYLK protein function. In summary, the available evidence is currently insufficient to determine the role of this variant in disease. Therefore, it has been classified as a Variant of Uncertain Significance.